The following is an entry in ClinVar:

ClinVar aggregate classification (germline): Uncertain significance. Review status: criteria provided, multiple submitters, no conflicts (2 of 4 stars). 2 submissions from 2 submitters: Uncertain significance (2). Last evaluated 2025-06-05.

Conditions:
Ullrich congenital muscular dystrophy 2 (UCMD2). Identifiers: Orphanet 75840, MedGen C4225314, MONDO:0014654, OMIM 616470.
Bethlem myopathy 2 (BTHLM2). Identifiers: Orphanet 536516, Orphanet 610, MedGen C4225313, MONDO:0034022, OMIM 616471.

gnomAD v4.1: 9 of 1,612,692 alleles (0.00056%); highest among the groups gnomAD compares: Non-Finnish European, 0.00076%; no homozygotes.

Submissions (2):

Mayo Clinic Laboratories, Mayo Clinic
Classification: Uncertain significance. Last evaluated: 2025-06-05. Review status: criteria provided, single submitter. Criteria: ACMG Guidelines, 2015. Collection method: clinical testing. Allele origin: germline. Observed: 1 variant allele.

Labcorp Genetics (formerly Invitae), Labcorp
Classification: Uncertain significance for Bethlem myopathy 2; Ullrich congenital muscular dystrophy 2. Last evaluated: 2022-01-17. Review status: criteria provided, single submitter. Criteria: Invitae Variant Classification Sherloc (09022015). Collection method: clinical testing. Allele origin: germline.
Comment: In summary, the available evidence is currently insufficient to determine the role of this variant in disease. Therefore, it has been classified as a Variant of Uncertain Significance. Algorithms developed to predict the effect of missense changes on protein structure and function are either unavailable or do not agree on the potential impact of this missense change (SIFT: "Deleterious"; PolyPhen-2: "Probably Damaging"; Align-GVGD: "Class C0"). This variant has not been reported in the literature in individuals affected with COL12A1-related conditions. This variant is present in population databases (no rsID available, gnomAD 0.002%). This sequence change replaces serine, which is neutral and polar, with threonine, which is neutral and polar, at codon 273 of the COL12A1 protein (p.Ser273Thr).

NM_004370.6(COL12A1):c.817T>A (p.Ser273Thr)

Gene: COL12A1 (collagen type XII alpha 1 chain; minus strand). Cytogenetic location: 6q13.
Variant type: single nucleotide variant.
Coding change: c.817T>A on transcript NM_004370.6 (MANE Select); coding-DNA position 817, T replaced by A.
Protein change: p.Ser273Thr; replaces serine 273 with threonine.
Molecular consequence: missense variant. On other transcripts: intron variant (1).
Genome position (GRCh38, 1-based): chr6:75,189,223, A>T on the plus strand (T>A on the coding strand, the complement: COL12A1 is on the minus strand). VCF-style: chr6-75189223-A-T. GRCh37 (hg19) VCF-style: chr6-75898939-A-T.
Other names: p.Ser273Thr; c.73+13497T>A (NM_080645.3); short protein forms S273T.
Identifiers: ClinVar variation 2185298 (VCV002185298.5), dbSNP rs1472307140, ClinGen allele CA364727792.